The following is an entry in ClinVar:

ClinVar aggregate classification (germline): Conflicting classifications of pathogenicity. Review status: criteria provided, conflicting classifications (1 of 4 stars). 2 submissions from 2 submitters: Uncertain significance (1); Likely benign (1). Last evaluated 2023-03-23.

Conditions:
Hereditary breast ovarian cancer syndrome. Also called: Hereditary breast and ovarian cancer syndrome (HBOC); Hereditary breast and ovarian cancer syndrome; Breast and ovarian cancer; Hereditary breast and/or ovarian cancer syndrome; Hereditary breast and ovarian cancer; BRCA1- and BRCA2-Associated Hereditary Breast and Ovarian Cancer. Identifiers: Orphanet 145, MedGen C0677776, MeSH D061325, MONDO:0003582. Disease mechanism: loss of function.
Hereditary cancer-predisposing syndrome. Also called: Neoplastic Syndromes, Hereditary; Hereditary Cancer Syndrome; Hereditary neoplastic syndrome; Tumor predisposition. Identifiers: Orphanet 140162, MedGen C0027672, MeSH D009386, MONDO:0015356.

Submissions (2):

University of Washington Department of Laboratory Medicine, University of Washington
Classification: Likely benign for Hereditary cancer-predisposing syndrome. Last evaluated: 2023-03-23. Review status: criteria provided, single submitter. Criteria: Dines et al. (Genet Med. 2020). Collection method: curation. Allele origin: germline.
Comment: Missense variant in a coldspot region where missense variants are very unlikely to be pathogenic (PMID:31911673).

BRCA2 exon 11 coldspot. Reclassification based on statistical prior probability.

Labcorp Genetics (formerly Invitae), Labcorp
Classification: Uncertain significance for Hereditary breast ovarian cancer syndrome. Last evaluated: 2017-07-24. Review status: criteria provided, single submitter. Criteria: Invitae Variant Classification Sherloc (09022015). Collection method: clinical testing. Allele origin: germline.
Comment: This sequence change replaces glutamic acid with aspartic acid at codon 1493 of the BRCA2 protein (p.Glu1493Asp). The glutamic acid residue is moderately conserved and there is a small physicochemical difference between glutamic acid and aspartic acid. This variant is not present in population databases (ExAC no frequency). This variant has not been reported in the literature in individuals with BRCA2-related disease. Algorithms developed to predict the effect of missense changes on protein structure and function (SIFT, PolyPhen-2, Align-GVGD) all suggest that this variant is likely to be tolerated, but these predictions have not been confirmed by published functional studies and their clinical significance is uncertain. In summary, the available evidence is currently insufficient to determine the role of this variant in disease. Therefore, it has been classified as a Variant of Uncertain Significance.

NM_000059.4(BRCA2):c.4479A>C (p.Glu1493Asp)

Gene: BRCA2 (BRCA2 DNA repair associated; plus strand). Cytogenetic location: 13q13.1.
Variant type: single nucleotide variant.
Coding change: c.4479A>C on transcript NM_000059.4 (MANE Select); coding-DNA position 4479, A replaced by C.
Protein change: p.Glu1493Asp; replaces glutamic acid 1493 with aspartic acid.
Molecular consequence: missense variant.
Genome position (GRCh38, 1-based): chr13:32,338,834, A>C. VCF-style: chr13-32338834-A-C. GRCh37 (hg19) VCF-style: chr13-32912971-A-C.
Other names: short protein forms E1493D.
Identifiers: ClinVar variation 462340 (VCV000462340.10), dbSNP rs1555283805, ClinGen allele CA387781493.